The following is an entry in ClinVar:

ClinVar aggregate classification (germline): Uncertain significance. Review status: criteria provided, multiple submitters, no conflicts (2 of 4 stars). 2 submissions from 2 submitters: Uncertain significance (2). Last evaluated 2021-09-20.

Conditions:
Fanconi anemia (FA). Also called: Fanconi's anemia. Identifiers: Orphanet 84, MedGen C0015625, MeSH D005199, MONDO:0019391.

gnomAD v4.1: 13 of 1,607,800 alleles (0.00081%); highest among the groups gnomAD compares: East Asian, 0.0022%; no homozygotes.

Submissions (2):

Sema4
Classification: Uncertain significance for Fanconi anemia. Last evaluated: 2021-09-20. Review status: criteria provided, single submitter. Criteria: Sema4 Curation Guidelines. Collection method: curation. Allele origin: germline.
Comment: The FANCA c.3538G>C (p.V1180L) variant has not been reported in the literature to our knowledge. It was not observed in the large and broad cohorts of the Genome Aggregation Database, and has not been reported in ClinVar. Functional studies have not been performed, and in silico predictions of the variant's effect on protein function are inconclusive. The evidence is insufficient to meet ACMG/AMP criteria for classifying the variant as benign or pathogenic. Thus, the clinical significance of this variant is currently uncertain.

Labcorp Genetics (formerly Invitae), Labcorp
Classification: Uncertain significance for Fanconi anemia. Last evaluated: 2021-08-26. Review status: criteria provided, single submitter. Criteria: Invitae Variant Classification Sherloc (09022015). Collection method: clinical testing. Allele origin: germline.
Comment: This sequence change replaces valine with leucine at codon 1180 of the FANCA protein (p.Val1180Leu). The valine residue is moderately conserved and there is a small physicochemical difference between valine and leucine. This variant is not present in population databases (ExAC no frequency). This variant has not been reported in the literature in individuals affected with FANCA-related conditions. Advanced modeling of protein sequence and biophysical properties (such as structural, functional, and spatial information, amino acid conservation, physicochemical variation, residue mobility, and thermodynamic stability) performed at Invitae indicates that this missense variant is not expected to disrupt FANCA protein function. In summary, the available evidence is currently insufficient to determine the role of this variant in disease. Therefore, it has been classified as a Variant of Uncertain Significance.

NM_000135.4(FANCA):c.3538G>C (p.Val1180Leu)

Gene: FANCA (FA complementation group A; minus strand). Cytogenetic location: 16q24.3.
Variant type: single nucleotide variant.
Coding change: c.3538G>C on transcript NM_000135.4 (MANE Select); coding-DNA position 3538, G replaced by C.
Protein change: p.Val1180Leu; replaces valine 1180 with leucine.
Molecular consequence: missense variant.
Genome position (GRCh38, 1-based): chr16:89,745,047, C>G on the plus strand (G>C on the coding strand, the complement: FANCA is on the minus strand). VCF-style: chr16-89745047-C-G. GRCh37 (hg19) VCF-style: chr16-89811455-C-G.
Other names: c.3538G>C, p.Val1180Leu (NM_001286167.3); short protein forms V1180L.
Identifiers: ClinVar variation 1415579 (VCV001415579.6), dbSNP rs372706571, ClinGen allele CA397485746.